The following is an entry in ClinVar:

NM_000478.6(ALPL):c.1228T>C (p.Phe410Leu)

Gene: ALPL (alkaline phosphatase, biomineralization associated; plus strand). Cytogenetic location: 1p36.12.
Variant type: single nucleotide variant.
Coding change: c.1228T>C on transcript NM_000478.6 (MANE Select); coding-DNA position 1228, T replaced by C.
Protein change: p.Phe410Leu; replaces phenylalanine 410 with leucine.
Molecular consequence: missense variant.
Genome position (GRCh38, 1-based): chr1:21,576,560, T>C. VCF-style: chr1-21576560-T-C. GRCh37 (hg19) VCF-style: chr1-21903053-T-C.
Other names: c.1063T>C, p.Phe355Leu (NM_001127501.4); c.997T>C, p.Phe333Leu (NM_001177520.3); c.1228T>C, p.Phe410Leu (NM_001369803.2, NM_001369804.2, NM_001369805.2); short protein forms F333L, F355L, F410L.
Identifiers: ClinVar variation 1020192 (VCV001020192.13), dbSNP rs1644740176, ClinGen allele CA338881735.

ClinVar aggregate classification (germline): Pathogenic/Likely pathogenic. Review status: criteria provided, multiple submitters, no conflicts (2 of 4 stars). 3 submissions from 3 submitters: Pathogenic (1); Likely pathogenic (2). Last evaluated 2025-08-29.

Conditions:
Hypophosphatasia. Also called: Phosphoethanol-aminuria. Identifiers: Orphanet 436, MedGen C0020630, MeSH D007014, MONDO:0018570.

Submissions (3):

Genomenon, Inc
Classification: Likely pathogenic for Hypophosphatasia. Last evaluated: 2025-08-29. Review status: criteria provided, single submitter. Criteria: Genomenon Sequence Variant Interpretation Standards. Collection method: curation. Allele origin: germline. Affected: yes.
Comment: ALPL c.1228T>C is a missense variant that changes the amino acid at residue 410 from Phenylalanine to Leucine. This variant has been observed in at least one proband affected with hypophosphatasia (PMID:32973344;33191482;18937943). It is absent or not present at a significant frequency in gnomAD. In silico models agree that this variant is possibly or probably damaging. In conclusion, we classify ALPL p.Phe410Leu (c.1228T>C) as a likely pathogenic variant.

Women's Health and Genetics/Laboratory Corporation of America, LabCorp
Classification: Likely pathogenic for Hypophosphatasia. Last evaluated: 2025-07-16. Review status: criteria provided, single submitter. Criteria: LabCorp Variant Classification Summary - May 2015. Collection method: clinical testing. Allele origin: germline.
Comment: Variant summary: ALPL c.1228T>C (p.Phe410Leu) results in a non-conservative amino acid change in the encoded protein sequence. Algorithms developed to predict the effect of missense changes on protein structure and function all suggest that this variant is likely to be disruptive. The variant was absent in 251448 control chromosomes. c.1228T>C has been observed in individuals affected with Hypophosphatasia (del Angel_2020, Internal data). These data indicate that the variant may be associated with disease. To our knowledge, no experimental evidence demonstrating an impact on protein function has been reported. The following publication has been ascertained in the context of this evaluation (PMID: 32160374). ClinVar contains an entry for this variant (Variation ID: 1020192). Based on the evidence outlined above, the variant was classified as likely pathogenic.

Labcorp Genetics (formerly Invitae), Labcorp
Classification: Pathogenic. Last evaluated: 2024-03-02. Review status: criteria provided, single submitter. Criteria: Invitae Variant Classification Sherloc (09022015). Collection method: clinical testing. Allele origin: germline.
Comment: This sequence change replaces phenylalanine, which is neutral and non-polar, with leucine, which is neutral and non-polar, at codon 410 of the ALPL protein (p.Phe410Leu). This variant is not present in population databases (gnomAD no frequency). This missense change has been observed in individual(s) with autosomal dominant hypophosphatasia and/or clinical features of ALPL-related conditions (PMID: 32160374; Invitae). ClinVar contains an entry for this variant (Variation ID: 1020192). Advanced modeling of protein sequence and biophysical properties (such as structural, functional, and spatial information, amino acid conservation, physicochemical variation, residue mobility, and thermodynamic stability) performed at Invitae indicates that this missense variant is expected to disrupt ALPL protein function with a positive predictive value of 95%. For these reasons, this variant has been classified as Pathogenic.

Literature cited by the submitters: PubMed 32973344 (cited by Genomenon, Inc); PubMed 33191482 (cited by Genomenon, Inc); PubMed 18937943 (cited by Genomenon, Inc); PubMed 32160374 (cited by Women's Health and Genetics/Laboratory Corporation of America, LabCorp and Labcorp Genetics (formerly Invitae), Labcorp).